The following is an entry in ClinVar:

NM_004656.4(BAP1):c.1518A>G (p.Pro506=)

Gene: BAP1 (BRCA1 associated deubiquitinase 1; minus strand). Cytogenetic location: 3p21.1.
Variant type: single nucleotide variant.
Coding change: c.1518A>G on transcript NM_004656.4 (MANE Select); coding-DNA position 1518, A replaced by G.
Protein change: p.Pro506=; no amino-acid change (proline 506 retained).
Molecular consequence: synonymous variant.
Genome position (GRCh38, 1-based): chr3:52,403,627, T>C on the plus strand (A>G on the coding strand, the complement: BAP1 is on the minus strand). VCF-style: chr3-52403627-T-C. GRCh37 (hg19) VCF-style: chr3-52437643-T-C.
Other names: c.1464A>G, p.Pro488= (NM_001410772.1).
Identifiers: ClinVar variation 3379141 (VCV003379141.1).

ClinVar aggregate classification (germline): Benign (1 of 4 stars; one submission).

Conditions:
BAP1-related tumor predisposition syndrome (TPDS1). Also called: BAP1 tumor predisposition syndrome; Tumor susceptibility linked to germline BAP1 mutations; COMMON Syndrome; TUMOR PREDISPOSITION SYNDROME 1. Identifiers: Orphanet 289539, MedGen C3280492, MONDO:0013692, OMIM 614327.

Submission:

Myriad Genetics, Inc.
Classification: Benign for BAP1-related tumor predisposition syndrome. Last evaluated: 2024-07-16. Review status: criteria provided, single submitter. Criteria: Myriad Autosomal Dominant, Autosomal Recessive and X-Linked Classification Criteria (2023). Collection method: clinical testing. Allele origin: unknown.
Comment: This variant is considered benign. This variant is a silent/synonymous amino acid change and it is not expected to impact splicing.